The following is an entry in ClinVar:

NM_024675.4(PALB2):c.689A>C (p.Glu230Ala)

Gene: PALB2 (partner and localizer of BRCA2; minus strand). Cytogenetic location: 16p12.2.
Variant type: single nucleotide variant.
Coding change: c.689A>C on transcript NM_024675.4 (MANE Select); coding-DNA position 689, A replaced by C.
Protein change: p.Glu230Ala; replaces glutamic acid 230 with alanine.
Molecular consequence: missense variant.
Genome position (GRCh38, 1-based): chr16:23,635,857, T>G on the plus strand (A>C on the coding strand, the complement: PALB2 is on the minus strand). VCF-style: chr16-23635857-T-G. GRCh37 (hg19) VCF-style: chr16-23647178-T-G.
Other names: short protein forms E230A.
Identifiers: ClinVar variation 863216 (VCV000863216.12), dbSNP rs1567222506, ClinGen allele CA395136406.
Genomic context (GRCh38, chr16:23,635,857, plus strand): 5'-AAAGGAACTGTAGTCGCCCTGGTGAAATTAGGTCTTCTTAGGAATGTATCAACACCTTTT[T>G]CTGGTTGGGCAGTTGGTGGAATTAATACACTGTCTTCATTAATTTCTGTAACTGGTTCTG-3'
Protein context (NP_078951.2, residues 220-240): SVLIPPTAQP[Glu230Ala]KGVDTFLRRP

ClinVar aggregate classification (germline): Uncertain significance. Review status: criteria provided, multiple submitters, no conflicts (2 of 4 stars). 2 submissions from 2 submitters: Uncertain significance (2). Last evaluated 2022-08-05.

Conditions:
Familial cancer of breast. Also called: Hereditary breast cancer; BREAST CANCER, FAMILIAL; hereditary breast carcinoma. Identifiers: Orphanet 227535, MedGen C0346153, MONDO:0016419, OMIM 114480. Disease mechanism: loss of function.

Allele frequency attached by ClinVar (database versions not stated): gnomAD exomes below 0.00001.
gnomAD v4.1: 1 of 1,614,166 alleles (0.000062%); highest among the groups gnomAD compares: East Asian, 0.0022%; no homozygotes.

Submissions (2):

MGZ Medical Genetics Center
Classification: Uncertain significance for Familial cancer of breast. Last evaluated: 2022-08-05. Review status: criteria provided, single submitter. Criteria: ACMG Guidelines, 2015. Collection method: clinical testing. Allele origin: germline. Affected: yes. Observed: 1 variant allele.
Comment: ACMG criteria applied: PM2_SUP, BP4

Labcorp Genetics (formerly Invitae), Labcorp
Classification: Uncertain significance for Familial cancer of breast. Last evaluated: 2019-11-24. Review status: criteria provided, single submitter. Criteria: Invitae Variant Classification Sherloc (09022015). Collection method: clinical testing. Allele origin: germline.
Comment: Algorithms developed to predict the effect of missense changes on protein structure and function are either unavailable or do not agree on the potential impact of this missense change (SIFT: "Deleterious"; PolyPhen-2: "Possibly Damaging"; Align-GVGD: "Class C0"). This variant has not been reported in the literature in individuals with PALB2-related conditions. This variant is not present in population databases (ExAC no frequency). This sequence change replaces glutamic acid with alanine at codon 230 of the PALB2 protein (p.Glu230Ala). The glutamic acid residue is moderately conserved and there is a moderate physicochemical difference between glutamic acid and alanine. In summary, the available evidence is currently insufficient to determine the role of this variant in disease. Therefore, it has been classified as a Variant of Uncertain Significance.